The following is an entry in ClinVar:

ClinVar aggregate classification (germline): Benign/Likely benign. Review status: criteria provided, multiple submitters, no conflicts (2 of 4 stars). 7 submissions from 7 submitters: Benign (2); Likely benign (4). 1 of the submissions does not count toward it. Last evaluated 2026-01-26.

Conditions:
CACNA1A-related disorder. Also called: CACNA1A-related condition.
Inborn genetic diseases. Identifiers: MedGen C0950123, MeSH D030342.
Developmental and epileptic encephalopathy, 42 (DEE42A). Also called: DEVELOPMENTAL AND EPILEPTIC ENCEPHALOPATHY 42A; EPILEPTIC ENCEPHALOPATHY, EARLY INFANTILE, 42A; Epileptic encephalopathy, early infantile, 42. Identifiers: MedGen C4310716, MONDO:0014917, OMIM 617106.
Episodic ataxia type 2 (EA2). Also called: ATAXIA, EPISODIC, WITH NYSTAGMUS; ATAXIA, FAMILIAL PAROXYSMAL; CEREBELLAR ATAXIA, PAROXYSMAL, ACETAZOLAMIDE-RESPONSIVE; CEREBELLOPATHY, HEREDITARY PAROXYSMAL; ACETAZOLAMIDE-RESPONSIVE HEREDITARY PAROXYSMAL CEREBELLAR ATAXIA; EPISODIC ATAXIA, NYSTAGMUS-ASSOCIATED. Identifiers: Orphanet 97, MedGen C1720416, MONDO:0007163, OMIM 108500.

Allele frequency attached by ClinVar (database versions not stated): gnomAD 0.00012 and 0.00020; ESP Exome Variant Server 0.00019; ExAC 0.00024; gnomAD exomes 0.00025; TOPMed 0.00026; 1000 Genomes Project 0.00040; 1000 Genomes Project 30x 0.00078.
gnomAD v4.1: 339 of 1,537,592 alleles (0.022%); highest among the groups gnomAD compares: East Asian, 0.62%; 1 homozygote.

Submissions (7):

Labcorp Genetics (formerly Invitae), Labcorp
Classification: Likely benign for Developmental and epileptic encephalopathy, 42; Episodic ataxia type 2. Last evaluated: 2026-01-26. Review status: criteria provided, single submitter. Criteria: Invitae Variant Classification Sherloc (09022015). Collection method: clinical testing. Allele origin: germline.

CeGaT Center for Human Genetics Tuebingen
Classification: Likely benign. Last evaluated: 2025-06-01. Review status: criteria provided, single submitter. Criteria: CeGaT Center For Human Genetics Tuebingen Variant Classification Criteria Version 2. Collection method: clinical testing. Allele origin: germline. Affected: yes. Observed: 3 variant alleles.
Comment: CACNA1A: BS1

Blueprint Genetics
Classification: Likely benign. Last evaluated: 2024-10-02. Review status: criteria provided, single submitter. Criteria: ACMG Guidelines, 2015. Collection method: clinical testing. Allele origin: germline.

GeneDx
Classification: Benign. Last evaluated: 2020-03-05. Review status: criteria provided, single submitter. Criteria: GeneDx Variant Classification Process June 2021. Collection method: clinical testing. Allele origin: germline. Affected: yes.

Ambry Genetics
Classification: Benign for Inborn genetic diseases. Last evaluated: 2018-11-19. Review status: criteria provided, single submitter. Criteria: Ambry Variant Classification Scheme 2023. Collection method: clinical testing. Allele origin: germline.

Breakthrough Genomics
Classification: Likely benign. Review status: criteria provided, single submitter. Criteria: ACMG Guidelines, 2015. Collection method: not provided. Allele origin: germline. Inheritance: Autosomal dominant inheritance. Affected: yes.

PreventionGenetics, part of Exact Sciences
Classification: Likely benign for CACNA1A-related condition. Last evaluated: 2024-09-03. Review status: no assertion criteria provided. Collection method: clinical testing. Allele origin: germline. Not counted in ClinVar's aggregate classification.
Comment: This variant is classified as likely benign based on ACMG/AMP sequence variant interpretation guidelines (Richards et al. 2015 PMID: 25741868, with internal and published modifications).

NM_001127222.2(CACNA1A):c.6584G>A (p.Arg2195Gln)

Gene: CACNA1A (calcium voltage-gated channel subunit alpha1 A; minus strand). Cytogenetic location: 19p13.13.
Variant type: single nucleotide variant.
Coding change: c.6584G>A on transcript NM_001127222.2 (MANE Select); coding-DNA position 6584, G replaced by A.
Protein change: p.Arg2195Gln; replaces arginine 2195 with glutamine.
Molecular consequence: missense variant.
Genome position (GRCh38, 1-based): chr19:13,208,952, C>T on the plus strand (G>A on the coding strand, the complement: CACNA1A is on the minus strand). VCF-style: chr19-13208952-C-T. GRCh37 (hg19) VCF-style: chr19-13319766-C-T.
Other names: c.6602G>A, p.Arg2201Gln (NM_000068.4, NM_023035.3); c.6587G>A, p.Arg2196Gln (NM_001127221.2); c.6593G>A, p.Arg2198Gln (NM_001174080.2); c.6584G>A (NM_001127222.1); short protein forms R2196Q, R2195Q, R2198Q, R2201Q.
Identifiers: ClinVar variation 387024 (VCV000387024.45), dbSNP rs373192655, ClinGen allele CA9239325.